The following is an entry in ClinVar:

ClinVar aggregate classification (germline): Uncertain significance. Review status: criteria provided, multiple submitters, no conflicts (2 of 4 stars). 2 submissions from 2 submitters: Uncertain significance (2). Last evaluated 2024-12-11.

Conditions:
Inborn genetic diseases. Identifiers: MedGen C0950123, MeSH D030342.
Cohen syndrome (COH1). Also called: Cutis verticis gyrata, retinitis pigmentosa, and sensorineural deafness; PEPPER SYNDROME. Identifiers: Orphanet 193, MedGen C0265223, MONDO:0008999, OMIM 216550.

Allele frequency attached by ClinVar (database versions not stated): ExAC 0.00001; gnomAD 0.00001; gnomAD exomes 0.00001; 1000 Genomes Project 30x 0.00016; 1000 Genomes Project 0.00020.
gnomAD v4.1: 7 of 1,614,094 alleles (0.00043%); highest among the groups gnomAD compares: South Asian, 0.0055%; no homozygotes.

Submissions (2):

Ambry Genetics
Classification: Uncertain significance for Inborn genetic diseases. Last evaluated: 2024-12-11. Review status: criteria provided, single submitter. Criteria: Ambry Variant Classification Scheme 2023. Collection method: clinical testing. Allele origin: germline.

Labcorp Genetics (formerly Invitae), Labcorp
Classification: Uncertain significance for Cohen syndrome. Last evaluated: 2022-03-09. Review status: criteria provided, single submitter. Criteria: Invitae Variant Classification Sherloc (09022015). Collection method: clinical testing. Allele origin: germline.
Comment: This sequence change replaces threonine, which is neutral and polar, with alanine, which is neutral and non-polar, at codon 2211 of the VPS13B protein (p.Thr2211Ala). This variant is present in population databases (rs532297738, gnomAD 0.006%). This variant has not been reported in the literature in individuals affected with VPS13B-related conditions. Algorithms developed to predict the effect of missense changes on protein structure and function output the following: SIFT: "Not Available"; PolyPhen-2: "Benign"; Align-GVGD: "Not Available". The alanine amino acid residue is found in multiple mammalian species, which suggests that this missense change does not adversely affect protein function. In summary, the available evidence is currently insufficient to determine the role of this variant in disease. Therefore, it has been classified as a Variant of Uncertain Significance.

NM_152564.5(VPS13B):c.6556A>G (p.Thr2186Ala)

Gene: VPS13B (vacuolar protein sorting 13 homolog B; plus strand). Cytogenetic location: 8q22.2.
Variant type: single nucleotide variant.
Coding change: c.6556A>G on transcript NM_152564.5 (MANE Select); coding-DNA position 6556, A replaced by G.
Protein change: p.Thr2186Ala; replaces threonine 2186 with alanine.
Molecular consequence: missense variant.
Genome position (GRCh38, 1-based): chr8:99,717,272, A>G. VCF-style: chr8-99717272-A-G. GRCh37 (hg19) VCF-style: chr8-100729500-A-G.
Other names: c.6631A>G (NM_017890.3); c.6631A>G, p.Thr2211Ala (NM_017890.5); short protein forms T2186A, T2211A.
Identifiers: ClinVar variation 1501785 (VCV001501785.4), dbSNP rs532297738, ClinGen allele CA4824027.